The following is an entry in ClinVar:

NM_000348.4(SRD5A2):c.102del (p.Lys35fs)

Gene: SRD5A2 (steroid 5 alpha-reductase 2; minus strand). Cytogenetic location: 2p23.1.
Variant type: Deletion.
Coding change: c.102del on transcript NM_000348.4 (MANE Select); coding-DNA position 102, one base deleted (G; older notation c.102delG).
Protein change: p.Lys35fs; shifts the reading frame from lysine 35.
Molecular consequence: frameshift variant.
Genome position (GRCh38, 1-based): chr2:31,580,799, C deleted on the plus strand (G on the coding strand, the reverse complement: SRD5A2 is on the minus strand); the first of 3 consecutive C bases (chr2:31,580,799-31,580,801); deleting any one gives the same sequence. VCF-style (leftmost placement, unchanged base first): chr2-31580798-TC-T. GRCh37 (hg19) VCF-style: chr2-31805868-TC-T.
Other names: short protein forms K35fs.
Identifiers: ClinVar variation 2882755 (VCV002882755.3), dbSNP rs2465708568, ClinGen allele CA2586969049.

ClinVar aggregate classification (germline): Pathogenic (1 of 4 stars; one submission).

Conditions:
3-Oxo-5 alpha-steroid delta 4-dehydrogenase deficiency (PPSH). Also called: MALE PSEUDOHERMAPHRODITISM DUE TO 5-ALPHA-REDUCTASE DEFICIENCY; PSEUDOVAGINAL PERINEOSCROTAL HYPOSPADIAS; FAMILIAL INCOMPLETE MALE PSEUDOHERMAPHRODITISM, TYPE 2; 46,XY disorder of sex development due to 5-alpha-reductase 2 deficiency. Identifiers: Orphanet 753, MedGen C0268297, MONDO:0009923, OMIM 264600. Disease mechanism: loss of function.

Submission:

Labcorp Genetics (formerly Invitae), Labcorp
Classification: Pathogenic for 3-Oxo-5 alpha-steroid delta 4-dehydrogenase deficiency. Last evaluated: 2023-07-27. Review status: criteria provided, single submitter. Criteria: Invitae Variant Classification Sherloc (09022015). Collection method: clinical testing. Allele origin: germline.
Comment: For these reasons, this variant has been classified as Pathogenic. This variant is also known as p.Glys34fs. This premature translational stop signal has been observed in individual(s) with clinical features of SRD5A2-related disorders (PMID: 21714467). This variant is not present in population databases (gnomAD no frequency). This sequence change creates a premature translational stop signal (p.Lys35Serfs*6) in the SRD5A2 gene. It is expected to result in an absent or disrupted protein product. Loss-of-function variants in SRD5A2 are known to be pathogenic (PMID: 1406794, 1944596).

Literature cited by the submitters: PubMed 21714467; PubMed 1406794; PubMed 1944596.